The following is an entry in ClinVar:

NM_203446.3(SYNJ1):c.2096A>G (p.Glu699Gly)

Gene: SYNJ1 (synaptojanin 1; minus strand). Cytogenetic location: 21q22.11.
Variant type: single nucleotide variant.
Coding change: c.2096A>G on transcript NM_203446.3 (MANE Select); coding-DNA position 2096, A replaced by G.
Protein change: p.Glu699Gly; replaces glutamic acid 699 with glycine.
Molecular consequence: missense variant.
Genome position (GRCh38, 1-based): chr21:32,665,992, T>C on the plus strand (A>G on the coding strand, the complement: SYNJ1 is on the minus strand). VCF-style: chr21-32665992-T-C. GRCh37 (hg19) VCF-style: chr21-34038302-T-C.
Other names: c.2096A>G, p.Glu699Gly (NM_001160302.2); c.2081A>G, p.Glu694Gly (NM_001160306.2); c.2213A>G, p.Glu738Gly (NM_003895.4); short protein forms E694G, E699G, E738G.
Identifiers: ClinVar variation 1501470 (VCV001501470.6), dbSNP rs2145923109, ClinGen allele CA410079214.

ClinVar aggregate classification (germline): Uncertain significance (1 of 4 stars; one submission).

Conditions:
Developmental and epileptic encephalopathy, 53. Also called: Epileptic encephalopathy, early infantile, 53. Identifiers: MedGen C4479313, MONDO:0033362, OMIM 617389.
Early-onset Parkinson disease 20. Also called: PARKINSON DISEASE 20, AUTOSOMAL RECESSIVE EARLY-ONSET. Identifiers: Orphanet 391411, MedGen C3809824, MONDO:0014233, OMIM 615530.

Submission:

Labcorp Genetics (formerly Invitae), Labcorp
Classification: Uncertain significance for Developmental and epileptic encephalopathy, 53; Early-onset Parkinson disease 20. Last evaluated: 2022-03-18. Review status: criteria provided, single submitter. Criteria: Invitae Variant Classification Sherloc (09022015). Collection method: clinical testing. Allele origin: germline.
Comment: This sequence change replaces glutamic acid, which is acidic and polar, with glycine, which is neutral and non-polar, at codon 738 of the SYNJ1 protein (p.Glu738Gly). This variant is not present in population databases (gnomAD no frequency). This variant has not been reported in the literature in individuals affected with SYNJ1-related conditions. Algorithms developed to predict the effect of missense changes on protein structure and function are either unavailable or do not agree on the potential impact of this missense change (SIFT: "Deleterious"; PolyPhen-2: "Probably Damaging"; Align-GVGD: "Class C0"). In summary, the available evidence is currently insufficient to determine the role of this variant in disease. Therefore, it has been classified as a Variant of Uncertain Significance.